The following is an entry in ClinVar:

ClinVar aggregate classification (germline): Uncertain significance. Review status: criteria provided, multiple submitters, no conflicts (2 of 4 stars). 2 submissions from 2 submitters: Uncertain significance (2). Last evaluated 2024-02-23.

Conditions:
Inborn genetic diseases. Identifiers: MedGen C0950123, MeSH D030342.

Allele frequency attached by ClinVar (database versions not stated): gnomAD 0.00001; gnomAD exomes 0.00001 and 0.00004; ExAC 0.00002; TOPMed 0.00002.
gnomAD v4.1: 15 of 1,613,910 alleles (0.00093%); highest among the groups gnomAD compares: Middle Eastern, 0.016%; no homozygotes.

Submissions (2):

Labcorp Genetics (formerly Invitae), Labcorp
Classification: Uncertain significance. Last evaluated: 2024-02-23. Review status: criteria provided, single submitter. Criteria: Invitae Variant Classification Sherloc (09022015). Collection method: clinical testing. Allele origin: germline.
Comment: This sequence change replaces aspartic acid, which is acidic and polar, with glutamic acid, which is acidic and polar, at codon 923 of the ABCC6 protein (p.Asp923Glu). This variant is present in population databases (rs760231794, gnomAD 0.02%). This variant has not been reported in the literature in individuals affected with ABCC6-related conditions. ClinVar contains an entry for this variant (Variation ID: 1519122). Advanced modeling of protein sequence and biophysical properties (such as structural, functional, and spatial information, amino acid conservation, physicochemical variation, residue mobility, and thermodynamic stability) performed at Invitae indicates that this missense variant is not expected to disrupt ABCC6 protein function with a negative predictive value of 95%. In summary, the available evidence is currently insufficient to determine the role of this variant in disease. Therefore, it has been classified as a Variant of Uncertain Significance.

Ambry Genetics
Classification: Uncertain significance for Inborn genetic diseases. Last evaluated: 2022-06-24. Review status: criteria provided, single submitter. Criteria: Ambry Variant Classification Scheme 2023. Collection method: clinical testing. Allele origin: germline.

NM_001171.6(ABCC6):c.2769C>G (p.Asp923Glu)

Gene: ABCC6 (ATP binding cassette subfamily C member 6; minus strand). Cytogenetic location: 16p13.11.
Variant type: single nucleotide variant.
Coding change: c.2769C>G on transcript NM_001171.6 (MANE Select); coding-DNA position 2769, C replaced by G.
Protein change: p.Asp923Glu; replaces aspartic acid 923 with glutamic acid.
Molecular consequence: missense variant. On other transcripts: non-coding transcript variant (1).
Genome position (GRCh38, 1-based): chr16:16,173,302, G>C on the plus strand (C>G on the coding strand, the complement: ABCC6 is on the minus strand). VCF-style: chr16-16173302-G-C. GRCh37 (hg19) VCF-style: chr16-16267159-G-C.
Other names: c.2427C>G, p.Asp809Glu (NM_001351800.1); c.2769C>G (NM_001171.5); short protein forms D809E, D923E.
Identifiers: ClinVar variation 1519122 (VCV001519122.6), dbSNP rs760231794, ClinGen allele CA7925801.